The following is an entry in ClinVar:

NM_000038.6(APC):c.1424T>C (p.Ile475Thr)

Gene: APC (APC regulator of Wnt signaling pathway; plus strand). Cytogenetic location: 5q22.2.
Variant type: single nucleotide variant.
Coding change: c.1424T>C on transcript NM_000038.6 (MANE Select); coding-DNA position 1424, T replaced by C.
Protein change: p.Ile475Thr; replaces isoleucine 475 with threonine.
Molecular consequence: missense variant.
Genome position (GRCh38, 1-based): chr5:112,827,123, T>C. VCF-style: chr5-112827123-T-C. GRCh37 (hg19) VCF-style: chr5-112162820-T-C.
Other names: c.1424T>C, p.Ile475Thr (NM_001127510.3, NM_001354895.2); c.1370T>C, p.Ile457Thr (NM_001127511.3); c.1478T>C, p.Ile493Thr (NM_001354896.2); c.1454T>C, p.Ile485Thr (NM_001354897.2); c.1349T>C, p.Ile450Thr (NM_001354898.2); c.1340T>C, p.Ile447Thr (NM_001354899.2); c.1301T>C, p.Ile434Thr (NM_001354900.2); c.1247T>C, p.Ile416Thr (NM_001354901.2); and 5 more; short protein forms I457T, I475T, I192T, I416T, I485T, I493T, I384T, I447T.
Identifiers: ClinVar variation 489414 (VCV000489414.17), dbSNP rs1554081639, ClinGen allele CA16024424.

ClinVar aggregate classification (germline): Uncertain significance. Review status: criteria provided, multiple submitters, no conflicts (2 of 4 stars). 3 submissions from 3 submitters: Uncertain significance (3). Last evaluated 2022-11-07.

Conditions:
Familial adenomatous polyposis 1 (FAP1). Also called: POLYPOSIS, ADENOMATOUS INTESTINAL; FAMILIAL ADENOMATOUS POLYPOSIS 1, ATTENUATED. Identifiers: MedGen C2713442, MONDO:0021056, OMIM 175100. Disease mechanism: loss of function.
Hereditary cancer-predisposing syndrome. Also called: Hereditary Cancer Syndrome; Neoplastic Syndromes, Hereditary; Tumor predisposition; Hereditary neoplastic syndrome. Identifiers: Orphanet 140162, MedGen C0027672, MeSH D009386, MONDO:0015356.

Submissions (3):

Labcorp Genetics (formerly Invitae), Labcorp
Classification: Uncertain significance for Familial adenomatous polyposis 1. Last evaluated: 2022-11-07. Review status: criteria provided, single submitter. Criteria: Invitae Variant Classification Sherloc (09022015). Collection method: clinical testing. Allele origin: germline.
Comment: In summary, the available evidence is currently insufficient to determine the role of this variant in disease. Therefore, it has been classified as a Variant of Uncertain Significance. Advanced modeling of protein sequence and biophysical properties (such as structural, functional, and spatial information, amino acid conservation, physicochemical variation, residue mobility, and thermodynamic stability) performed at Invitae indicates that this missense variant is not expected to disrupt APC protein function. ClinVar contains an entry for this variant (Variation ID: 489414). This variant has not been reported in the literature in individuals affected with APC-related conditions. This variant is not present in population databases (gnomAD no frequency). This sequence change replaces isoleucine, which is neutral and non-polar, with threonine, which is neutral and polar, at codon 475 of the APC protein (p.Ile475Thr).

Ambry Genetics
Classification: Uncertain significance for Hereditary cancer-predisposing syndrome. Last evaluated: 2022-01-27. Review status: criteria provided, single submitter. Criteria: Ambry Variant Classification Scheme 2023. Collection method: clinical testing. Allele origin: germline.
Comment: The p.I475T variant (also known as c.1424T>C), located in coding exon 11 of the APC gene, results from a T to C substitution at nucleotide position 1424. The isoleucine at codon 475 is replaced by threonine, an amino acid with similar properties. This amino acid position is well conserved in available vertebrate species. In addition, in silico predictors for this gene do not accurately predict pathogenicity. Since supporting evidence is limited at this time, the clinical significance of this alteration remains unclear.

Color Diagnostics, LLC DBA Color Health
Classification: Uncertain significance for Hereditary cancer-predisposing syndrome. Last evaluated: 2019-02-28. Review status: criteria provided, single submitter. Criteria: ACMG Guidelines, 2015. Collection method: clinical testing. Allele origin: germline.